The following is an entry in ClinVar:

ClinVar aggregate classification (germline): Uncertain significance. Review status: criteria provided, multiple submitters, no conflicts (2 of 4 stars). 2 submissions from 2 submitters: Uncertain significance (2). Last evaluated 2025-02-03.

Conditions:
Hereditary cancer-predisposing syndrome. Also called: Hereditary Cancer Syndrome; Tumor predisposition; Hereditary neoplastic syndrome; Neoplastic Syndromes, Hereditary. Identifiers: Orphanet 140162, MedGen C0027672, MeSH D009386, MONDO:0015356.
Waardenburg syndrome type 2A (WS2A). Also called: WAARDENBURG SYNDROME WITHOUT DYSTOPIA CANTHORUM. Identifiers: Orphanet 3440, MedGen C1860339, MONDO:0008671, OMIM 193510.
Melanoma, cutaneous malignant, susceptibility to, 8. Also called: MELANOMA AND RENAL CELL CARCINOMA, SUSCEPTIBILITY TO; Cutaneous malignant melanoma 8. Identifiers: Orphanet 293822, MedGen C3152204, MONDO:0013759, OMIM 614456.
Tietz syndrome (TADS). Also called: ALBINISM-DEAFNESS OF TIETZ; HYPOPIGMENTATION/DEAFNESS OF TIETZ; TIETZ ALBINISM-DEAFNESS SYNDROME. Identifiers: Orphanet 42665, MedGen C0391816, MONDO:0007077, OMIM 103500.

gnomAD v4.1: 1 of 1,614,156 alleles (0.000062%); highest among the groups gnomAD compares: Non-Finnish European, 0.000085%; no homozygotes.

Submissions (2):

Labcorp Genetics (formerly Invitae), Labcorp
Classification: Uncertain significance for Melanoma, cutaneous malignant, susceptibility to, 8; Waardenburg syndrome type 2A; Tietz syndrome. Last evaluated: 2025-02-03. Review status: criteria provided, single submitter. Criteria: Invitae Variant Classification Sherloc (09022015). Collection method: clinical testing. Allele origin: germline.
Comment: This sequence change replaces histidine, which is basic and polar, with tyrosine, which is neutral and polar, at codon 332 of the MITF protein (p.His332Tyr). This variant is not present in population databases (gnomAD no frequency). This variant has not been reported in the literature in individuals affected with MITF-related conditions. ClinVar contains an entry for this variant (Variation ID: 3396341). Invitae Evidence Modeling of protein sequence and biophysical properties (such as structural, functional, and spatial information, amino acid conservation, physicochemical variation, residue mobility, and thermodynamic stability) indicates that this missense variant is not expected to disrupt MITF protein function with a negative predictive value of 80%. In summary, the available evidence is currently insufficient to determine the role of this variant in disease. Therefore, it has been classified as a Variant of Uncertain Significance.

Ambry Genetics
Classification: Uncertain significance for Hereditary cancer-predisposing syndrome. Last evaluated: 2024-11-26. Review status: criteria provided, single submitter. Criteria: Ambry Variant Classification Scheme 2023. Collection method: clinical testing. Allele origin: germline.
Comment: The p.H332Y variant (also known as c.994C>T), located in coding exon 9 of the MITF gene, results from a C to T substitution at nucleotide position 994. The histidine at codon 332 is replaced by tyrosine, an amino acid with similar properties. This amino acid position is conserved. In addition, this alteration is predicted to be tolerated by in silico analysis. Based on the available evidence, the clinical significance of this variant remains unclear.

NM_001354604.2(MITF):c.1315C>T (p.His439Tyr)

Gene: MITF (melanocyte inducing transcription factor; plus strand). Cytogenetic location: 3p13.
Variant type: single nucleotide variant.
Coding change: c.1315C>T on transcript NM_001354604.2 (MANE Select); coding-DNA position 1315, C replaced by T.
Protein change: p.His439Tyr; replaces histidine 439 with tyrosine.
Molecular consequence: missense variant.
Genome position (GRCh38, 1-based): chr3:69,964,982, C>T. VCF-style: chr3-69964982-C-T. GRCh37 (hg19) VCF-style: chr3-70014133-C-T.
Other names: c.994C>T, p.His332Tyr (NM_000248.4); c.1141C>T, p.His381Tyr (NM_001184967.2, NM_001354608.2); c.1312C>T, p.His438Tyr (NM_001354605.2); c.1294C>T, p.His432Tyr (NM_001354606.2, NM_006722.3); c.1246C>T, p.His416Tyr (NM_001354607.2); c.976C>T, p.His326Tyr (NM_198158.3); c.1297C>T, p.His433Tyr (NM_198159.3); c.1249C>T, p.His417Tyr (NM_198177.3); and 1 more; short protein forms H270Y, H432Y, H433Y, H381Y, H439Y, H326Y, H332Y, H417Y.
Identifiers: ClinVar variation 3396341 (VCV003396341.2).